The following is an entry in ClinVar:

ClinVar aggregate classification (germline): Pathogenic (1 of 4 stars; one submission).

Submission:

ISCA site 4
Classification: Pathogenic. Last evaluated: 2011-08-12. Review status: criteria provided, single submitter. Criteria: Kaminsky et al. (Genet Med. 2011). Collection method: clinical testing. Allele origin: unknown. Affected: yes. Observed: 1 variant allele.
Comment: Copy number variation identified through the course of routine clinical cytogenomic testing in postnatal populations. Clinical assertions have been curated as described in Kaminsky et al. 2011.

GRCh38/hg38 13q33.1-34(chr13:101537045-114327173)x1

Genes: LRTM3 (leucine rich repeat transmembrane protein 3; minus strand), MCF2L (MCF.2 cell line derived transforming sequence like; plus strand), MCF2L-AS1 (MCF2L antisense RNA 1; minus strand), METTL21C (methyltransferase 21C, AARS1 lysine; minus strand), MIR1267 (microRNA 1267; minus strand) and 367 more. Cytogenetic location: 13q33.1-34.
Variant type: copy number loss.
Change: copy number 1 (one copy instead of two) of chr13:101,537,045-114,327,173 (12.79 Mb, GRCh38 coordinates, 1-based), cytogenetic band 13q33.1-34.
Identifiers: ClinVar variation 57684 (VCV000057684.1).